The following is an entry in ClinVar:

ClinVar aggregate classification (germline): Likely benign. Review status: criteria provided, single submitter (1 of 4 stars). 2 submissions from 2 submitters: Likely benign (1). 1 of the submissions does not count toward it. Last evaluated 2025-08-10.

Conditions:
SH2B1-related disorder. Also called: SH2B1-related condition.

Allele frequency attached by ClinVar (database versions not stated): gnomAD 0.00002; gnomAD exomes 0.00004 and 0.00019; TOPMed 0.00010; ExAC 0.00013.
gnomAD v4.1: 60 of 1,613,974 alleles (0.0037%); highest among the groups gnomAD compares: Admixed American, 0.093%; no homozygotes.

Submissions (2):

Labcorp Genetics (formerly Invitae), Labcorp
Classification: Likely benign. Last evaluated: 2025-08-10. Review status: criteria provided, single submitter. Criteria: Invitae Variant Classification Sherloc (09022015). Collection method: clinical testing. Allele origin: germline.

PreventionGenetics, part of Exact Sciences
Classification: Likely benign for SH2B1-related condition. Last evaluated: 2019-09-13. Review status: no assertion criteria provided. Collection method: clinical testing. Allele origin: germline. Not counted in ClinVar's aggregate classification.
Comment: This variant is classified as likely benign based on ACMG/AMP sequence variant interpretation guidelines (Richards et al. 2015 PMID: 25741868, with internal and published modifications).

NM_001387430.1(SH2B1):c.432C>T (p.Ser144=)

Gene: SH2B1 (SH2B adaptor protein 1; plus strand). Cytogenetic location: 16p11.2.
Variant type: single nucleotide variant.
Coding change: c.432C>T on transcript NM_001387430.1 (MANE Select); coding-DNA position 432, C replaced by T.
Protein change: p.Ser144=; no amino-acid change (serine 144 retained).
Molecular consequence: synonymous variant. On other transcripts: intron variant (1).
Genome position (GRCh38, 1-based): chr16:28,866,526, C>T. VCF-style: chr16-28866526-C-T. GRCh37 (hg19) VCF-style: chr16-28877847-C-T.
Other names: c.432C>T, p.Ser144= (NM_001145795.2, NM_001145796.2, NM_001145797.2 and 4 more transcripts); c.-26-848C>T (NM_001308294.2).
Identifiers: ClinVar variation 724019 (VCV000724019.6), dbSNP rs748301005, ClinGen allele CA7985927.
Genomic context (GRCh38, chr16:28,866,526, plus strand): 5'-ATCATCTGAGGACCTGGCCGGCCCCCTCCCTTCCTCAGTCTCTTCCTCCTCTACAACCTC[C>T]TCCAAGCCGAAGCTCAAGAAGCGCTTTTCCCTGCGTTCAGTGGGTCGCTCTGTCCGAGGC-3'
Protein context (NP_001374359.1, residues 134-154): PSSVSSSSTT[Ser144=]SKPKLKKRFS